The following is an entry in ClinVar:

NM_001013838.3(CARMIL2):c.393del (p.Thr132fs)

Gene: CARMIL2 (capping protein regulator and myosin 1 linker 2; plus strand). Cytogenetic location: 16q22.1.
Variant type: Deletion.
Coding change: c.393del on transcript NM_001013838.3 (MANE Select); coding-DNA position 393, one base deleted (C; older notation c.393delC).
Protein change: p.Thr132fs; shifts the reading frame from threonine 132.
Molecular consequence: frameshift variant.
Genome position (GRCh38, 1-based): chr16:67,646,444, C deleted; the last of 3 consecutive C bases (chr16:67,646,442-67,646,444); deleting any one gives the same sequence. VCF-style (leftmost placement, unchanged base first): chr16-67646441-GC-G. GRCh37 (hg19) VCF-style: chr16-67680344-GC-G.
Other names: c.393del, p.Thr132fs (NM_001317026.3); short protein forms T132fs.
Identifiers: ClinVar variation 2766009 (VCV002766009.3), dbSNP rs2543533406, ClinGen allele CA2697555946.
Genomic context (GRCh38, chr16:67,646,441, plus strand): 5'-AGAGGCTGGAAGTCCTTTGCCCCCTTCTCCTTAACCCCCTACCAGGAAGCTATTCCGGAG[GC>G]CCACACCAGCCTCCATGCTGGCTCGGCTGGAGAGAAGCAGCCCCTCGGAGTCCACTGACC-3'

ClinVar aggregate classification (germline): Pathogenic (1 of 4 stars; one submission).

Submission:

Labcorp Genetics (formerly Invitae), Labcorp
Classification: Pathogenic. Last evaluated: 2024-04-05. Review status: criteria provided, single submitter. Criteria: Invitae Variant Classification Sherloc (09022015). Collection method: clinical testing. Allele origin: germline.
Comment: This sequence change creates a premature translational stop signal (p.Thr132Hisfs*77) in the CARMIL2 gene. It is expected to result in an absent or disrupted protein product. Loss-of-function variants in CARMIL2 are known to be pathogenic (PMID: 27647349, 28112205). This variant is not present in population databases (gnomAD no frequency). This variant has not been reported in the literature in individuals affected with CARMIL2-related conditions. For these reasons, this variant has been classified as Pathogenic.

Literature cited by the submitters: PubMed 27647349; PubMed 28112205.